The following is an entry in ClinVar:

ClinVar aggregate classification (germline): Likely benign. Review status: criteria provided, multiple submitters, no conflicts (2 of 4 stars). 3 submissions from 3 submitters: Likely benign (2). 1 of the submissions does not count toward it. Last evaluated 2025-11-09.

Conditions:
NAA15-related disorder.

Allele frequency attached by ClinVar (database versions not stated): gnomAD 0.00003; gnomAD exomes 0.00007; ExAC 0.00023; 1000 Genomes Project 0.00080; 1000 Genomes Project 30x 0.00094.
gnomAD v4.1: 106 of 1,598,976 alleles (0.0066%); highest among the groups gnomAD compares: South Asian, 0.1%; 2 homozygotes.

Submissions (3):

Labcorp Genetics (formerly Invitae), Labcorp
Classification: Likely benign. Last evaluated: 2025-11-09. Review status: criteria provided, single submitter. Criteria: Invitae Variant Classification Sherloc (09022015). Collection method: clinical testing. Allele origin: germline.

Blueprint Genetics
Classification: Likely benign. Last evaluated: 2024-10-04. Review status: criteria provided, single submitter. Criteria: ACMG Guidelines, 2015. Collection method: clinical testing. Allele origin: germline.

PreventionGenetics, part of Exact Sciences
Classification: Likely benign for NAA15-related condition. Last evaluated: 2024-08-28. Review status: no assertion criteria provided. Collection method: clinical testing. Allele origin: germline. Not counted in ClinVar's aggregate classification.
Comment: This variant is classified as likely benign based on ACMG/AMP sequence variant interpretation guidelines (Richards et al. 2015 PMID: 25741868, with internal and published modifications).

NM_057175.5(NAA15):c.2386A>G (p.Asn796Asp)

Gene: NAA15 (N-alpha-acetyltransferase 15, NatA auxiliary subunit; plus strand). Cytogenetic location: 4q31.1.
Variant type: single nucleotide variant.
Coding change: c.2386A>G on transcript NM_057175.5 (MANE Select); coding-DNA position 2386, A replaced by G.
Protein change: p.Asn796Asp; replaces asparagine 796 with aspartic acid.
Molecular consequence: missense variant.
Genome position (GRCh38, 1-based): chr4:139,386,216, A>G. VCF-style: chr4-139386216-A-G. GRCh37 (hg19) VCF-style: chr4-140307370-A-G.
Other names: c.2386A>G (NM_057175.3); c.2383A>G, p.Asn795Asp (NM_001410842.1); c.*795A>G (NM_025085.2); short protein forms N795D, N796D.
Identifiers: ClinVar variation 2906639 (VCV002906639.5), dbSNP rs539610746, ClinGen allele CA3083835.
Genomic context (GRCh38, chr4:139,386,216, plus strand): 5'-GATCCTTCTAGTCAGAAGCGAGCTATAGAGTTGGCAACAACACTTGATGAATCTCTCACT[A>G]ACAGAAACCTCCAGGTAAAGAGTTTTTCATAATCTCTCTGTAAGAATACTTAACTACTTT-3'
Protein context (NP_476516.1, residues 786-806): LATTLDESLT[Asn796Asp]RNLQTCMEVL